The following is an entry in ClinVar:

NM_000183.3(HADHB):c.812-2A>G

Gene: HADHB (hydroxyacyl-CoA dehydrogenase trifunctional multienzyme complex subunit beta; plus strand). Cytogenetic location: 2p23.3.
Variant type: single nucleotide variant.
Coding change: c.812-2A>G on transcript NM_000183.3 (MANE Select); the canonical splice acceptor site of the intron before coding-DNA position 812, A replaced by G.
Molecular consequence: splice acceptor variant.
Genome position (GRCh38, 1-based): chr2:26,279,992, A>G. VCF-style: chr2-26279992-A-G. GRCh37 (hg19) VCF-style: chr2-26502860-A-G.
Other names: c.746-2A>G (NM_001281513.2); c.767-2A>G (NM_001281512.2).
Identifiers: ClinVar variation 2879472 (VCV002879472.3), dbSNP rs771685439, ClinGen allele CA1560350.

ClinVar aggregate classification (germline): Pathogenic (1 of 4 stars; one submission).

Conditions:
Mitochondrial trifunctional protein deficiency. Identifiers: Orphanet 746, MedGen C1969443, MONDO:0012172.

Allele frequency attached by ClinVar (database versions not stated): gnomAD exomes below 0.00001; ExAC 0.00002.
gnomAD v4.1: 2 of 1,606,346 alleles (0.00012%); highest among the groups gnomAD compares: Non-Finnish European, 0.00017%; no homozygotes.

Submission:

Labcorp Genetics (formerly Invitae), Labcorp
Classification: Pathogenic for Mitochondrial trifunctional protein deficiency. Last evaluated: 2023-09-29. Review status: criteria provided, single submitter. Criteria: Invitae Variant Classification Sherloc (09022015). Collection method: clinical testing. Allele origin: germline.
Comment: For these reasons, this variant has been classified as Pathogenic. Algorithms developed to predict the effect of sequence changes on RNA splicing suggest that this variant may disrupt the consensus splice site. Disruption of this splice site has been observed in individual(s) with metabolic hypertrophic cardiomyopathy (PMID: 35050212). In at least one individual the data is consistent with being in trans (on the opposite chromosome) from a pathogenic variant. The frequency data for this variant in the population databases is considered unreliable, as metrics indicate poor data quality at this position in the gnomAD database. This sequence change affects an acceptor splice site in intron 9 of the HADHB gene. It is expected to disrupt RNA splicing. Variants that disrupt the donor or acceptor splice site typically lead to a loss of protein function (PMID: 16199547), and loss-of-function variants in HADHB are known to be pathogenic (PMID: 9259266, 12754706).

Literature cited by the submitters: PubMed 35050212; PubMed 16199547; PubMed 9259266; PubMed 12754706.